The following is an entry in ClinVar:

NM_003640.5(ELP1):c.2205-121C>T

Gene: ELP1 (elongator acetyltransferase complex subunit 1; minus strand). Cytogenetic location: 9q31.3.
Variant type: single nucleotide variant.
Coding change: c.2205-121C>T on transcript NM_003640.5 (MANE Select); 121 bases into the intron before coding-DNA position 2205, C replaced by T.
Molecular consequence: intron variant.
Genome position (GRCh38, 1-based): chr9:108,898,870, G>A on the plus strand (C>T on the coding strand, the complement: ELP1 is on the minus strand). VCF-style: chr9-108898870-G-A. GRCh37 (hg19) VCF-style: chr9-111661150-G-A.
Other names: c.1863-121C>T (NM_001318360.2); c.1158-121C>T (NM_001330749.2).
Identifiers: ClinVar variation 681912 (VCV000681912.5), dbSNP rs4978760, ClinGen allele CA15586241.

ClinVar aggregate classification (germline): Benign. Review status: criteria provided, multiple submitters, no conflicts (2 of 4 stars). 3 submissions from 3 submitters: Benign (3). Last evaluated 2021-07-01.

Conditions:
Familial dysautonomia. Also called: HSAN III; FD. Identifiers: Orphanet 1764, MedGen C0013364, MONDO:0009131, OMIM 223900. Disease mechanism: loss of function.

Allele frequency attached by ClinVar (database versions not stated): gnomAD exomes 0.57109; gnomAD 0.64691 and 0.64996; TOPMed 0.65308; 1000 Genomes Project 0.67971; 1000 Genomes Project 30x 0.68520.
gnomAD v4.1: 410,471 of 698,820 alleles (59%); highest among the groups gnomAD compares: African/African-American, 90%; 124,424 homozygotes.

Submissions (3):

Genome-Nilou Lab
Classification: Benign for Familial dysautonomia. Last evaluated: 2021-07-01. Review status: criteria provided, single submitter. Criteria: ACMG Guidelines, 2015. Collection method: clinical testing. Allele origin: germline. Affected: no.

GeneDx
Classification: Benign. Last evaluated: 2018-06-19. Review status: criteria provided, single submitter. Criteria: GeneDx Variant Classification (06012015). Collection method: clinical testing. Allele origin: germline. Affected: yes.
Comment: This variant is considered likely benign or benign based on one or more of the following criteria: it is a conservative change, it occurs at a poorly conserved position in the protein, it is predicted to be benign by multiple in silico algorithms, and/or has population frequency not consistent with disease.

Breakthrough Genomics
Classification: Benign. Review status: criteria provided, single submitter. Criteria: ACMG Guidelines, 2015. Collection method: not provided. Allele origin: germline. Inheritance: Autosomal recessive inheritance. Affected: yes.